The following is an entry in ClinVar:

ClinVar aggregate classification (germline): Likely benign. Review status: criteria provided, multiple submitters, no conflicts (2 of 4 stars). 4 submissions from 4 submitters: Likely benign (3). 1 of the submissions does not count toward it. Last evaluated 2025-02-10.

Conditions:
PAX2-Related Disorder. Also called: PAX2-related disorders. Identifiers: MedGen CN381309.
Renal coloboma syndrome (PAPRS). Also called: PAPILLORENAL SYNDROME WITH MILD OCULAR ABNORMALITIES; CONGENITAL ANOMALIES OF THE KIDNEY AND URINARY TRACT WITH OR WITHOUT OCULAR ABNORMALITIES; CAKUT WITH OR WITHOUT OCULAR ABNORMALITIES; OPTIC COLOBOMA, VESICOURETERAL REFLUX, AND RENAL ANOMALIES; OPTIC NERVE COLOBOMA WITH RENAL DISEASE; RENAL-COLOBOMA SYNDROME WITH MACULAR ABNORMALITIES. Identifiers: Orphanet 1475, MedGen C1852759, MONDO:0007352, OMIM 120330.
Focal segmental glomerulosclerosis 7 (FSGS7). Identifiers: Orphanet 656, MedGen C4014925, MONDO:0014451, OMIM 616002.

Allele frequency attached by ClinVar (database versions not stated): ExAC 0.00001; gnomAD 0.00001; gnomAD exomes 0.00003 and 0.00004; TOPMed 0.00003.
gnomAD v4.1: 60 of 1,614,098 alleles (0.0037%); highest among the groups gnomAD compares: Non-Finnish European, 0.0049%; no homozygotes.

Submissions (4):

Labcorp Genetics (formerly Invitae), Labcorp
Classification: Likely benign for Renal coloboma syndrome; Focal segmental glomerulosclerosis 7. Last evaluated: 2025-02-10. Review status: criteria provided, single submitter. Criteria: Invitae Variant Classification Sherloc (09022015). Collection method: clinical testing. Allele origin: germline.

Blueprint Genetics
Classification: Likely benign. Last evaluated: 2023-06-12. Review status: criteria provided, single submitter. Criteria: ACMG Guidelines, 2015. Collection method: clinical testing. Allele origin: germline.

Fulgent Genetics
Classification: Likely benign for Renal coloboma syndrome; Focal segmental glomerulosclerosis 7. Last evaluated: 2022-03-23. Review status: criteria provided, single submitter. Criteria: ACMG Guidelines, 2015. Collection method: clinical testing. Allele origin: unknown.

PreventionGenetics, part of Exact Sciences
Classification: Likely benign for PAX2-related condition. Last evaluated: 2021-03-02. Review status: no assertion criteria provided. Collection method: clinical testing. Allele origin: germline. Not counted in ClinVar's aggregate classification.
Comment: This variant is classified as likely benign based on ACMG/AMP sequence variant interpretation guidelines (Richards et al. 2015 PMID: 25741868, with internal and published modifications).

NM_000278.5(PAX2):c.735T>C (p.Phe245=)

Gene: PAX2 (paired box 2; plus strand). Cytogenetic location: 10q24.31.
Variant type: single nucleotide variant.
Coding change: c.735T>C on transcript NM_000278.5 (MANE Select); coding-DNA position 735, T replaced by C.
Protein change: p.Phe245=; no amino-acid change (phenylalanine 245 retained).
Molecular consequence: synonymous variant.
Genome position (GRCh38, 1-based): chr10:100,806,548, T>C. VCF-style: chr10-100806548-T-C. GRCh37 (hg19) VCF-style: chr10-102566305-T-C.
Other names: c.828T>C, p.Phe276= (NM_001304569.2); c.804T>C, p.Phe268= (NM_003987.5, NM_003990.5); c.735T>C, p.Phe245= (NM_003988.5, NM_003989.5); c.804T>C (NM_003990.4).
Identifiers: ClinVar variation 1571359 (VCV001571359.12), dbSNP rs746316295, ClinGen allele CA5650837.